The following is an entry in ClinVar:

ClinVar aggregate classification (germline): Conflicting classifications of pathogenicity. Review status: criteria provided, conflicting classifications (1 of 4 stars). 3 submissions from 3 submitters: Uncertain significance (1); Benign (1); Likely benign (1). Last evaluated 2025-10-09.

Conditions:
GROWTH HORMONE DEFICIENCY WITH PITUITARY ANOMALIES. Identifiers: MedGen C2750027, OMIM 182230.
Septo-optic dysplasia sequence (SOD). Also called: Septo-optic dysplasia; DE MORSIER SYNDROME. Identifiers: Orphanet 3157, MedGen C0338503, MONDO:0008428, OMIM 182230, HP:0100842.
HESX1-related disorder. Also called: HESX1-related condition.

Allele frequency attached by ClinVar (database versions not stated): gnomAD 0.00001 and 0.00024; TOPMed 0.00005; gnomAD exomes 0.00041 and 0.00095; 1000 Genomes Project 30x 0.00078; ExAC 0.00087; 1000 Genomes Project 0.00100.
gnomAD v4.1: 631 of 1,614,144 alleles (0.039%); highest among the groups gnomAD compares: South Asian, 0.65%; 12 homozygotes.

Submissions (3):

Labcorp Genetics (formerly Invitae), Labcorp
Classification: Benign for GROWTH HORMONE DEFICIENCY WITH PITUITARY ANOMALIES; Septo-optic dysplasia sequence. Last evaluated: 2025-10-09. Review status: criteria provided, single submitter. Criteria: Invitae Variant Classification Sherloc (09022015). Collection method: clinical testing. Allele origin: germline.

PreventionGenetics, part of Exact Sciences
Classification: Likely benign for HESX1-related condition. Last evaluated: 2025-01-17. Review status: criteria provided, single submitter. Criteria: ACMG Guidelines, 2015. Collection method: clinical testing. Allele origin: germline.
Comment: This variant is classified as likely benign based on ACMG/AMP sequence variant interpretation guidelines (Richards et al. 2015 PMID: 25741868, with internal and published modifications).

Illumina Laboratory Services, Illumina
Classification: Uncertain significance for Septo-optic dysplasia sequence. Last evaluated: 2018-01-12. Review status: criteria provided, single submitter. Criteria: ICSL Variant Classification Criteria 13 December 2019. Collection method: clinical testing. Allele origin: germline.

NM_003865.3(HESX1):c.183T>C (p.His61=)

Gene: HESX1 (HESX homeobox 1; minus strand). Cytogenetic location: 3p14.3.
Variant type: single nucleotide variant.
Coding change: c.183T>C on transcript NM_003865.3 (MANE Select); coding-DNA position 183, T replaced by C.
Protein change: p.His61=; no amino-acid change (histidine 61 retained).
Molecular consequence: synonymous variant.
Genome position (GRCh38, 1-based): chr3:57,198,927, A>G on the plus strand (T>C on the coding strand, the complement: HESX1 is on the minus strand). VCF-style: chr3-57198927-A-G. GRCh37 (hg19) VCF-style: chr3-57232955-A-G.
Other names: c.183T>C, p.His61= (NM_001376058.1, NM_001376059.1, NM_001376060.1 and 1 more transcripts).
Identifiers: ClinVar variation 779725 (VCV000779725.12), dbSNP rs374187836, ClinGen allele CA2463305.